The following is an entry in ClinVar:

NM_004304.5(ALK):c.556A>G (p.Arg186Gly)

Gene: ALK (ALK receptor tyrosine kinase; minus strand). Cytogenetic location: 2p23.1.
Variant type: single nucleotide variant.
Coding change: c.556A>G on transcript NM_004304.5 (MANE Select); coding-DNA position 556, A replaced by G.
Protein change: p.Arg186Gly; replaces arginine 186 with glycine.
Molecular consequence: missense variant.
Genome position (GRCh38, 1-based): chr2:29,920,104, T>C on the plus strand (A>G on the coding strand, the complement: ALK is on the minus strand). VCF-style: chr2-29920104-T-C. GRCh37 (hg19) VCF-style: chr2-30142970-T-C.
Other names: c.556A>G (NM_004304.4); short protein forms R186G.
Identifiers: ClinVar variation 2167365 (VCV002167365.5), dbSNP rs1667949544, ClinGen allele CA346589807.

ClinVar aggregate classification (germline): Uncertain significance. Review status: criteria provided, multiple submitters, no conflicts (2 of 4 stars). 2 submissions from 2 submitters: Uncertain significance (2). Last evaluated 2024-07-14.

Conditions:
Hereditary cancer-predisposing syndrome. Also called: Neoplastic Syndromes, Hereditary; Hereditary neoplastic syndrome; Hereditary Cancer Syndrome; Tumor predisposition. Identifiers: Orphanet 140162, MedGen C0027672, MeSH D009386, MONDO:0015356.
Neuroblastoma, susceptibility to, 3. Also called: ALK-Related Neuroblastic Tumor Susceptibility. Identifiers: Orphanet 635, MedGen C2751681, MONDO:0013083, OMIM 613014.

Allele frequency attached by ClinVar (database versions not stated): TOPMed below 0.00001.

Submissions (2):

Ambry Genetics
Classification: Uncertain significance for Hereditary cancer-predisposing syndrome. Last evaluated: 2024-07-14. Review status: criteria provided, single submitter. Criteria: Ambry Variant Classification Scheme 2023. Collection method: clinical testing. Allele origin: germline.
Comment: The p.R186G variant (also known as c.556A>G), located in coding exon 1 of the ALK gene, results from an A to G substitution at nucleotide position 556. The arginine at codon 186 is replaced by glycine, an amino acid with dissimilar properties. This amino acid position is conserved. In addition, this alteration is predicted to be deleterious by in silico analysis. Based on the available evidence, the clinical significance of this variant remains unclear.

Labcorp Genetics (formerly Invitae), Labcorp
Classification: Uncertain significance for Neuroblastoma, susceptibility to, 3. Last evaluated: 2022-05-18. Review status: criteria provided, single submitter. Criteria: Invitae Variant Classification Sherloc (09022015). Collection method: clinical testing. Allele origin: germline.
Comment: Algorithms developed to predict the effect of missense changes on protein structure and function are either unavailable or do not agree on the potential impact of this missense change (SIFT: "Deleterious"; PolyPhen-2: "Probably Damaging"; Align-GVGD: "Class C0"). In summary, the available evidence is currently insufficient to determine the role of this variant in disease. Therefore, it has been classified as a Variant of Uncertain Significance. This variant has not been reported in the literature in individuals affected with ALK-related conditions. This variant is not present in population databases (gnomAD no frequency). This sequence change replaces arginine, which is basic and polar, with glycine, which is neutral and non-polar, at codon 186 of the ALK protein (p.Arg186Gly).